The following is an entry in ClinVar:

NM_015214.3(DDHD2):c.931A>G (p.Asn311Asp)

Gene: DDHD2 (DDHD domain containing 2; plus strand). Cytogenetic location: 8p11.23.
Variant type: single nucleotide variant.
Coding change: c.931A>G on transcript NM_015214.3 (MANE Select); coding-DNA position 931, A replaced by G.
Protein change: p.Asn311Asp; replaces asparagine 311 with aspartic acid.
Molecular consequence: missense variant. On other transcripts: non-coding transcript variant (2).
Genome position (GRCh38, 1-based): chr8:38,245,824, A>G. VCF-style: chr8-38245824-A-G. GRCh37 (hg19) VCF-style: chr8-38103342-A-G.
Other names: c.931A>G, p.Asn311Asp (NM_001164232.2, NM_001362911.2, NM_001362912.2 and 1 more transcripts); c.841A>G, p.Asn281Asp (NM_001362913.2); short protein forms N311D, N281D.
Identifiers: ClinVar variation 4693992 (VCV004693992.1).

ClinVar aggregate classification (germline): Uncertain significance (1 of 4 stars; one submission).

Conditions:
Hereditary spastic paraplegia 54. Also called: Spastic paraplegia 54, autosomal recessive. Identifiers: Orphanet 320380, MedGen C3539495, MONDO:0014018, OMIM 615033.

Submission:

Labcorp Genetics (formerly Invitae), Labcorp
Classification: Uncertain significance for Hereditary spastic paraplegia 54. Last evaluated: 2025-06-19. Review status: criteria provided, single submitter. Criteria: Invitae Variant Classification Sherloc (09022015). Collection method: clinical testing. Allele origin: germline.
Comment: This sequence change replaces asparagine, which is neutral and polar, with aspartic acid, which is acidic and polar, at codon 311 of the DDHD2 protein (p.Asn311Asp). This variant is present in population databases (no rsID available, gnomAD 0.0009%). This variant has not been reported in the literature in individuals affected with DDHD2-related conditions. Invitae Evidence Modeling of protein sequence and biophysical properties (such as structural, functional, and spatial information, amino acid conservation, physicochemical variation, residue mobility, and thermodynamic stability) indicates that this missense variant is expected to disrupt DDHD2 protein function with a positive predictive value of 80%. In summary, the available evidence is currently insufficient to determine the role of this variant in disease. Therefore, it has been classified as a Variant of Uncertain Significance.